The following is an entry in ClinVar:

NM_005560.6(LAMA5):c.2588C>T (p.Ala863Val)

Gene: LAMA5 (laminin subunit alpha 5; minus strand). Cytogenetic location: 20q13.33.
Variant type: single nucleotide variant.
Coding change: c.2588C>T on transcript NM_005560.6 (MANE Select); coding-DNA position 2588, C replaced by T.
Protein change: p.Ala863Val; replaces alanine 863 with valine.
Molecular consequence: missense variant.
Genome position (GRCh38, 1-based): chr20:62,334,337, G>A on the plus strand (C>T on the coding strand, the complement: LAMA5 is on the minus strand). VCF-style: chr20-62334337-G-A. GRCh37 (hg19) VCF-style: chr20-60909393-G-A.
Other names: p.Ala863Val; short protein forms A863V.
Identifiers: ClinVar variation 711246 (VCV000711246.13), dbSNP rs138657380, ClinGen allele CA9943394.

ClinVar aggregate classification (germline): Benign. Review status: criteria provided, multiple submitters, no conflicts (2 of 4 stars). 3 submissions from 3 submitters: Benign (3). Last evaluated 2026-01-13.

Allele frequency attached by ClinVar (database versions not stated): gnomAD 0.01302 and 0.01401; TOPMed 0.01326; 1000 Genomes Project 0.01358; 1000 Genomes Project 30x 0.01374; ESP Exome Variant Server 0.01511.
gnomAD v4.1: 3,692 of 1,599,214 alleles (0.23%); highest among the groups gnomAD compares: African/African-American, 4.5%; 79 homozygotes.

Submissions (5):

Labcorp Genetics (formerly Invitae), Labcorp
Classification: Benign. Last evaluated: 2026-01-13. Review status: criteria provided, single submitter. Criteria: Invitae Variant Classification Sherloc (09022015). Collection method: clinical testing. Allele origin: germline.

Mayo Clinic Laboratories, Mayo Clinic
Classification: Benign. Last evaluated: 2023-10-05. Review status: criteria provided, single submitter. Criteria: ACMG Guidelines, 2015. Collection method: clinical testing. Allele origin: germline. Observed: 6 variant alleles.
Comment: BS1, BS2, BP4_strong

Breakthrough Genomics
Classification: Benign. Review status: criteria provided, single submitter. Criteria: ACMG Guidelines, 2015. Collection method: not provided. Allele origin: germline. Inheritance: Autosomal recessive inheritance. Affected: yes.

Dr. Peter K. Rogan Lab, Western University
No classification provided (evidence only). Condition: Lung cancer. Review status: no classification provided. Collection method: in vitro. Allele origin: not applicable. Functional consequence: retained intron. Not counted in ClinVar's aggregate classification.

Dr. Peter K. Rogan Lab, Western University
No classification provided (evidence only). Condition: Malignant tumor of esophagus. Review status: no classification provided. Collection method: in vitro. Allele origin: not applicable. Functional consequence: retained intron. Not counted in ClinVar's aggregate classification.